The following is an entry in ClinVar:

ClinVar aggregate classification (germline): Uncertain significance (1 of 4 stars; one submission).

Submission:

Labcorp Genetics (formerly Invitae), Labcorp
Classification: Uncertain significance. Last evaluated: 2019-12-28. Review status: criteria provided, single submitter. Criteria: Invitae Variant Classification Sherloc (09022015). Collection method: clinical testing. Allele origin: germline.
Comment: In summary, the available evidence is currently insufficient to determine the role of this variant in disease. Therefore, it has been classified as a Variant of Uncertain Significance. Experimental studies and prediction algorithms are not available or were not evaluated, and the functional significance of this variant is currently unknown. This variant has not been reported in the literature in individuals with NYX-related conditions. The frequency data for this variant in the population databases is considered unreliable, as metrics indicate insufficient coverage at this position in the ExAC database. This variant, c.610_618dup, results in the insertion of 3 amino acid(s) to the NYX protein (p.Gly204_Arg206dup), but otherwise preserves the integrity of the reading frame.

NM_001378477.3(NYX):c.595_603dup (p.Gly199_Arg201dup)

Gene: NYX (nyctalopin; plus strand). Cytogenetic location: Xp11.4.
Variant type: Duplication.
Coding change: c.595_603dup on transcript NM_001378477.3 (MANE Select); coding-DNA positions 595 to 603, 9 bases duplicated (GGCCTGCGC; older notation c.595_603dupGGCCTGCGC).
Protein change: p.Gly199_Arg201dup.
Molecular consequence: inframe insertion.
Genome position (GRCh38, 1-based): chrX:41,474,063-41,474,071, GGCCTGCGC duplicated. VCF-style (leftmost placement, unchanged base first): chrX-41474062-G-GGGCCTGCGC. GRCh37 (hg19) VCF-style: chrX-41333315-G-GGGCCTGCGC.
Other names: c.595_603dup, p.Gly199_Arg201dup (NM_022567.3).
Identifiers: ClinVar variation 839261 (VCV000839261.10), dbSNP rs2064376472, ClinGen allele CA916083932.